The following is an entry in ClinVar:

ClinVar aggregate classification (germline): Uncertain significance (1 of 4 stars; one submission).

Conditions:
Hereditary cancer-predisposing syndrome. Also called: Neoplastic Syndromes, Hereditary; Tumor predisposition; Hereditary neoplastic syndrome; Hereditary Cancer Syndrome. Identifiers: Orphanet 140162, MedGen C0027672, MeSH D009386, MONDO:0015356.

Submission:

Ambry Genetics
Classification: Uncertain significance for Hereditary cancer-predisposing syndrome. Last evaluated: 2026-07-06. Review status: criteria provided, single submitter. Criteria: Ambry Variant Classification Scheme 2023. Collection method: clinical testing. Allele origin: germline.
Comment: The p.Q72P variant (also known as c.215A>C), located in coding exon 4 of the MAX gene, results from an A to C substitution at nucleotide position 215. The glutamine at codon 72 is replaced by proline, an amino acid with similar properties. This amino acid position is conserved. In addition, this alteration is predicted to be deleterious by in silico analysis. Based on the available evidence, the clinical significance of this variant remains unclear.

NM_002382.5(MAX):c.215A>C (p.Gln72Pro)

Gene: MAX (MYC associated transcriptional regulator X; minus strand). Cytogenetic location: 14q23.3.
Variant type: single nucleotide variant.
Coding change: c.215A>C on transcript NM_002382.5 (MANE Select); coding-DNA position 215, A replaced by C.
Protein change: p.Gln72Pro; replaces glutamine 72 with proline.
Molecular consequence: missense variant. On other transcripts: 5 prime UTR variant (6), intron variant (2), non-coding transcript variant (7).
Genome position (GRCh38, 1-based): chr14:65,077,993, T>G on the plus strand (A>C on the coding strand, the complement: MAX is on the minus strand). VCF-style: chr14-65077993-T-G. GRCh37 (hg19) VCF-style: chr14-65544711-T-G.
Other names: c.-60A>C (NM_001320415.2, NM_001407105.1, NM_001407106.1 and 1 more transcripts); c.215A>C, p.Gln72Pro (NM_001407094.1, NM_001407096.1, NM_001407097.1 and 3 more transcripts); c.188A>C, p.Gln63Pro (NM_001407095.1, NM_001407099.1, NM_001407100.1 and 6 more transcripts); c.107A>C, p.Gln36Pro (NM_001407098.1); c.144+15715A>C (NM_001271069.2); c.171+15715A>C (NM_197957.4); c.-153A>C (NM_001407111.1, NM_001407112.1); short protein forms Q72P, Q36P, Q63P.
Identifiers: ClinVar variation 5023923 (VCV005023923.1).